The following is an entry in ClinVar:

ClinVar aggregate classification (germline): Pathogenic (1 of 4 stars; one submission).

Conditions:
Maple syrup urine disease (MSUD). Identifiers: Orphanet 511, MedGen C0024776, MeSH D008375, MONDO:0009563. Disease mechanism: loss of function.

Submission:

Labcorp Genetics (formerly Invitae), Labcorp
Classification: Pathogenic for Maple syrup urine disease. Last evaluated: 2023-03-17. Review status: criteria provided, single submitter. Criteria: Invitae Variant Classification Sherloc (09022015). Collection method: clinical testing. Allele origin: germline.
Comment: This variant has not been reported in the literature in individuals affected with BCKDHB-related conditions. For these reasons, this variant has been classified as Pathogenic. This variant is not present in population databases (gnomAD no frequency). This sequence change creates a premature translational stop signal (p.Phe175Leufs*55) in the BCKDHB gene. It is expected to result in an absent or disrupted protein product. Loss-of-function variants in BCKDHB are known to be pathogenic (PMID: 16786533, 22593002).

Literature cited by the submitters: PubMed 16786533; PubMed 22593002.

NM_183050.4(BCKDHB):c.525del (p.Phe175fs)

Gene: BCKDHB (branched chain keto acid dehydrogenase E1 subunit beta; plus strand). Cytogenetic location: 6q14.1.
Variant type: Deletion.
Coding change: c.525del on transcript NM_183050.4 (MANE Select); coding-DNA position 525, one base deleted (T; older notation c.525delT).
Protein change: p.Phe175fs; shifts the reading frame from phenylalanine 175.
Molecular consequence: frameshift variant. On other transcripts: non-coding transcript variant (6).
Genome position (GRCh38, 1-based): chr6:80,168,922, T deleted; the last of 5 consecutive T bases (chr6:80,168,918-80,168,922); deleting any one gives the same sequence. VCF-style (leftmost placement, unchanged base first): chr6-80168917-CT-C. GRCh37 (hg19) VCF-style: chr6-80878634-CT-C.
Other names: c.525del, p.Phe175fs (NM_000056.5, NM_001424035.1, NM_001424036.1 and 8 more transcripts); c.315del, p.Phe105fs (NM_001318975.1, NM_001424043.1); short protein forms F105fs, F175fs.
Identifiers: ClinVar variation 2798370 (VCV002798370.3), dbSNP rs2127775550, ClinGen allele CA2739273286.
Genomic context (GRCh38, chr6:80,168,917, plus strand): 5'-TTTCTTTCTGACCCTCAGATTGTTAATGAAGCTGCCAAGTATCGCTATCGCTCTGGGGAT[CT>C]TTTTAACTGTGGAAGCCTCACTATCCGGTCCCCTTGGGGCTGTGTTGGTCATGGGGCTCT-3'